The following is an entry in ClinVar:

NM_173354.5(SIK1):c.524A>C (p.Lys175Thr)

Gene: SIK1 (salt inducible kinase 1; minus strand). Cytogenetic location: 21q22.3.
Variant type: single nucleotide variant.
Coding change: c.524A>C on transcript NM_173354.5 (MANE Select); coding-DNA position 524, A replaced by C.
Protein change: p.Lys175Thr; replaces lysine 175 with threonine.
Molecular consequence: missense variant.
Genome position (GRCh38, 1-based): chr21:43,421,343, T>G on the plus strand (A>C on the coding strand, the complement: SIK1 is on the minus strand). VCF-style: chr21-43421343-T-G. GRCh37 (hg19) VCF-style: chr21-44841223-T-G.
Other names: short protein forms K175T.
Identifiers: ClinVar variation 2812059 (VCV002812059.3), dbSNP rs2516967559, ClinGen allele CA410609991.
Genomic context (GRCh38, chr21:43,421,343, plus strand): 5'-AAGACTTCCGGGGCGGCATACGGGGGGCTCCCACACCACGTGGACAGAGGCTCTCCTGAC[T>G]TGTAGAAATTCCCAAATCCAAAATCTGAGCGGCAAAGAAACAGATGGATGAGGTTAAACG-3'
Protein context (NP_775490.2, residues 165-185): LADFGFGNFY[Lys175Thr]SGEPLSTWCG

ClinVar aggregate classification (germline): Uncertain significance (1 of 4 stars; one submission).

Conditions:
Developmental and epileptic encephalopathy, 30 (DEE30). Also called: Epileptic encephalopathy, early infantile, 30. Identifiers: MedGen C4225360, MONDO:0014595, OMIM 616341.

Submission:

Labcorp Genetics (formerly Invitae), Labcorp
Classification: Uncertain significance for Developmental and epileptic encephalopathy, 30. Last evaluated: 2022-11-04. Review status: criteria provided, single submitter. Criteria: Invitae Variant Classification Sherloc (09022015). Collection method: clinical testing. Allele origin: germline.
Comment: In summary, the available evidence is currently insufficient to determine the role of this variant in disease. Therefore, it has been classified as a Variant of Uncertain Significance. Advanced modeling of protein sequence and biophysical properties (such as structural, functional, and spatial information, amino acid conservation, physicochemical variation, residue mobility, and thermodynamic stability) performed at Invitae indicates that this missense variant is not expected to disrupt SIK1 protein function. This variant has not been reported in the literature in individuals affected with SIK1-related conditions. This variant is not present in population databases (gnomAD no frequency). This sequence change replaces lysine, which is basic and polar, with threonine, which is neutral and polar, at codon 175 of the SIK1 protein (p.Lys175Thr).